The following is an entry in ClinVar:

NM_004655.4(AXIN2):c.1649_1652del (p.Tyr550fs)

Gene: AXIN2 (axin 2; minus strand). Cytogenetic location: 17q24.1.
Variant type: Deletion.
Coding change: c.1649_1652del on transcript NM_004655.4 (MANE Select); coding-DNA positions 1649 to 1652, 4 bases deleted (ACTG; older notation c.1649_1652delACTG).
Protein change: p.Tyr550fs; shifts the reading frame from tyrosine 550.
Molecular consequence: frameshift variant.
Genome position (GRCh38, 1-based): chr17:65,537,384-65,537,387, CAGT deleted on the plus strand (ACTG on the coding strand, the reverse complement: AXIN2 is on the minus strand). VCF-style (leftmost placement, unchanged base first): chr17-65537383-GCAGT-G. GRCh37 (hg19) VCF-style: chr17-63533501-GCAGT-G.
Other names: c.1649_1652del, p.Tyr550fs (NM_001363813.1); short protein forms Y550fs.
Identifiers: ClinVar variation 3646688 (VCV003646688.2).

ClinVar aggregate classification (germline): Pathogenic (1 of 4 stars; one submission).

Conditions:
Oligodontia-cancer predisposition syndrome. Also called: TOOTH AGENESIS-COLORECTAL CANCER SYNDROME. Identifiers: Orphanet 300576, MedGen C1837750, MONDO:0012075, OMIM 608615. Disease mechanism: loss of function.

Submission:

Labcorp Genetics (formerly Invitae), Labcorp
Classification: Pathogenic for Oligodontia-cancer predisposition syndrome. Last evaluated: 2024-03-19. Review status: criteria provided, single submitter. Criteria: Invitae Variant Classification Sherloc (09022015). Collection method: clinical testing. Allele origin: germline.
Comment: This sequence change creates a premature translational stop signal (p.Tyr550Serfs*138) in the AXIN2 gene. It is expected to result in an absent or disrupted protein product. Loss-of-function variants in AXIN2 are known to be pathogenic (PMID: 15042511, 21416598). This variant is not present in population databases (gnomAD no frequency). This variant has not been reported in the literature in individuals affected with AXIN2-related conditions. For these reasons, this variant has been classified as Pathogenic.

Literature cited by the submitters: PubMed 15042511; PubMed 21416598.